The following is an entry in ClinVar:

NM_001370259.2(MEN1):c.539A>T (p.Asp180Val)

Gene: MEN1 (menin 1; minus strand). Cytogenetic location: 11q13.1.
Variant type: single nucleotide variant.
Coding change: c.539A>T on transcript NM_001370259.2 (MANE Select); coding-DNA position 539, A replaced by T.
Protein change: p.Asp180Val; replaces aspartic acid 180 with valine.
Molecular consequence: missense variant.
Genome position (GRCh38, 1-based): chr11:64,808,006, T>A on the plus strand (A>T on the coding strand, the complement: MEN1 is on the minus strand). VCF-style: chr11-64808006-T-A. GRCh37 (hg19) VCF-style: chr11-64575478-T-A.
Other names: c.539A>T, p.Asp180Val (NM_001370262.2, NM_001370263.2, NM_130799.3 and 3 more transcripts); c.554A>T, p.Asp185Val (NM_130800.3, NM_130801.3, NM_130802.3 and 3 more transcripts); short protein forms D180V, D185V.
Identifiers: ClinVar variation 420754 (VCV000420754.12), dbSNP rs1064794683, ClinGen allele CA16619364.
Genomic context (GRCh38, chr11:64,808,006, plus strand): 5'-CCGTGCCAGGTGACCTCAGCTGTCTGCTCCCCATTGGGCCCAAACACTACCCAGGCATGA[T>A]CCTCAGACAGGGCGAGGTGGACATCCCGGAGACCCAGGGCCTGGCAGGCCCCAACCACAG-3'
Protein context (NP_001357188.2, residues 170-190): LRDVHLALSE[Asp180Val]HAWVVFGPNG

ClinVar aggregate classification (germline): Uncertain significance. Review status: criteria provided, multiple submitters, no conflicts (2 of 4 stars). 4 submissions from 4 submitters: Uncertain significance (4). Last evaluated 2025-10-23.

Conditions:
Hereditary cancer-predisposing syndrome. Also called: Hereditary neoplastic syndrome; Hereditary Cancer Syndrome; Neoplastic Syndromes, Hereditary; Tumor predisposition. Identifiers: Orphanet 140162, MedGen C0027672, MeSH D009386, MONDO:0015356.
Multiple endocrine neoplasia, type 1 (MEN1). Also called: Endocrine adenomatosis multiple; MEN 1; MEA I; MEN I; WERMER SYNDROME. Identifiers: Orphanet 652, MedGen C0025267, MeSH D018761, MONDO:0007540, OMIM 131100.

Allele frequency attached by ClinVar (database versions not stated): gnomAD exomes below 0.00001; gnomAD 0.00001.
gnomAD v4.1: 2 of 1,613,986 alleles (0.00012%); highest among the groups gnomAD compares: African/African-American, 0.0027%; no homozygotes.

Submissions (4):

Ambry Genetics
Classification: Uncertain significance for Hereditary cancer-predisposing syndrome. Last evaluated: 2025-10-23. Review status: criteria provided, single submitter. Criteria: Ambry Variant Classification Scheme 2023. Collection method: clinical testing. Allele origin: germline.
Comment: The p.D180V variant (also known as c.539A>T), located in coding exon 2 of the MEN1 gene, results from an A to T substitution at nucleotide position 539. The aspartic acid at codon 180 is replaced by valine, an amino acid with highly dissimilar properties. This amino acid position is highly conserved in available vertebrate species. In addition, this alteration is predicted to be deleterious by in silico analysis. Since supporting evidence is limited at this time, the clinical significance of this alteration remains unclear.

Labcorp Genetics (formerly Invitae), Labcorp
Classification: Uncertain significance for Multiple endocrine neoplasia, type 1. Last evaluated: 2025-08-11. Review status: criteria provided, single submitter. Criteria: Invitae Variant Classification Sherloc (09022015). Collection method: clinical testing. Allele origin: germline.
Comment: This sequence change replaces aspartic acid, which is acidic and polar, with valine, which is neutral and non-polar, at codon 180 of the MEN1 protein (p.Asp180Val). This variant is present in population databases (no rsID available, gnomAD 0.01%). This variant has not been reported in the literature in individuals affected with MEN1-related conditions. ClinVar contains an entry for this variant (Variation ID: 420754). Invitae Evidence Modeling of protein sequence and biophysical properties (such as structural, functional, and spatial information, amino acid conservation, physicochemical variation, residue mobility, and thermodynamic stability) indicates that this missense variant is expected to disrupt MEN1 protein function with a positive predictive value of 95%. RNA analysis performed to evaluate the impact of this missense change on mRNA splicing indicates it does not significantly alter splicing (internal data). In summary, the available evidence is currently insufficient to determine the role of this variant in disease. Therefore, it has been classified as a Variant of Uncertain Significance.

Color Diagnostics, LLC DBA Color Health
Classification: Uncertain significance for Multiple endocrine neoplasia, type 1. Last evaluated: 2025-05-27. Review status: criteria provided, single submitter. Criteria: ACMG Guidelines, 2015. Collection method: clinical testing. Allele origin: germline.
Comment: This missense variant replaces aspartic acid with valine at codon 180 of the MEN1 protein. Computational prediction suggests that this variant may have deleterious impact on protein structure and function. A protein structure study indicated that aspartic acid (D) 180 may line the MLL binding pocket in the MEN1 protein (PMID: 21757704). To our knowledge, functional studies have not been reported for this variant. This variant has not been reported in individuals affected with MEN1-related disorders in the literature. This variant has been identified in 1/31368 chromosomes in the general population by the Genome Aggregation Database (gnomAD). The available evidence is insufficient to determine the role of this variant in disease conclusively. Therefore, this variant is classified as a Variant of Uncertain Significance.

GeneDx
Classification: Uncertain significance. Last evaluated: 2016-03-24. Review status: criteria provided, single submitter. Criteria: GeneDx Variant Classification (06012015). Collection method: clinical testing. Allele origin: germline. Affected: yes.
Comment: This variant is denoted MEN1 c.539A>T at the cDNA level, p.Asp180Val (D180V) at the protein level, and results in the change of an Aspartic Acid to a Valine (GAT>GTT). This variant has not, to our knowledge, been published in the literature as either a pathogenic germline variant or benign polymorphism. However, it has been reported as a somatic variant in a sporadic parathyroid adenoma (Pardi 2013). MEN1 Asp180Val was not observed in approximately 6,500 individuals of European and African American ancestry in the NHLBI Exome Sequencing Project, suggesting it is not a common benign variant in these populations. Since Aspartic Acid and Valine differ in polarity, charge, size or other properties, this is considered a non-conservative amino acid substitution. MEN1 Asp180Val occurs at a position that is conserved across species and is not located in a known functional domain (UniProt). In silico analyses predict that this variant is probably damaging to protein structure and function. Based on currently available evidence, it is unclear whether MEN1 Asp180Val is a pathogenic or benign variant. We consider it to be a variant of uncertain significance.

Literature cited by the submitters: PubMed 21757704 (cited by Color Diagnostics, LLC DBA Color Health).